The following is an entry in ClinVar:

NM_001329943.3(KIAA0586):c.1133A>T (p.Asn378Ile)

Gene: KIAA0586 (KIAA0586; plus strand). Cytogenetic location: 14q23.1.
Variant type: single nucleotide variant.
Coding change: c.1133A>T on transcript NM_001329943.3 (MANE Select); coding-DNA position 1133, A replaced by T.
Protein change: p.Asn378Ile; replaces asparagine 378 with isoleucine.
Molecular consequence: missense variant.
Genome position (GRCh38, 1-based): chr14:58,453,353, A>T. VCF-style: chr14-58453353-A-T. GRCh37 (hg19) VCF-style: chr14-58920071-A-T.
Other names: c.1292A>T, p.Asn431Ile (NM_001244189.2); c.1088A>T, p.Asn363Ile (NM_001244190.2); c.878A>T, p.Asn293Ile (NM_001244191.2, NM_001329945.2, NM_001364700.1 and 1 more transcripts); c.1001A>T, p.Asn334Ile (NM_001244192.2); c.713A>T, p.Asn238Ile (NM_001244193.2); c.1133A>T, p.Asn378Ile (NM_001329944.2, NM_001329946.2, NM_001329947.2 and 1 more transcripts); short protein forms N293I, N378I, N238I, N334I, N363I, N431I.
Identifiers: ClinVar variation 2102046 (VCV002102046.4), dbSNP rs1450213701, ClinGen allele CA389866522.

ClinVar aggregate classification (germline): Uncertain significance (1 of 4 stars; one submission).

Conditions:
Joubert syndrome 23 (JBTS23). Identifiers: Orphanet 475, MedGen C4084822, MONDO:0014664, OMIM 616490.
Short-rib thoracic dysplasia 14 with polydactyly (SRTD14). Identifiers: Orphanet 397715, MedGen C4225286, MONDO:0014688, OMIM 616546.

Submission:

Labcorp Genetics (formerly Invitae), Labcorp
Classification: Uncertain significance for Joubert syndrome 23; Short-rib thoracic dysplasia 14 with polydactyly. Last evaluated: 2024-12-03. Review status: criteria provided, single submitter. Criteria: Invitae Variant Classification Sherloc (09022015). Collection method: clinical testing. Allele origin: germline.
Comment: This sequence change replaces asparagine, which is neutral and polar, with isoleucine, which is neutral and non-polar, at codon 431 of the KIAA0586 protein (p.Asn431Ile). This variant is not present in population databases (gnomAD no frequency). This variant has not been reported in the literature in individuals affected with KIAA0586-related conditions. ClinVar contains an entry for this variant (Variation ID: 2102046). Invitae Evidence Modeling of protein sequence and biophysical properties (such as structural, functional, and spatial information, amino acid conservation, physicochemical variation, residue mobility, and thermodynamic stability) has been performed for this missense variant. However, the output from this modeling did not meet the statistical confidence thresholds required to predict the impact of this variant on KIAA0586 protein function. In summary, the available evidence is currently insufficient to determine the role of this variant in disease. Therefore, it has been classified as a Variant of Uncertain Significance.